The following is an entry in ClinVar:

NM_001267550.2(TTN):c.107000C>G (p.Ala35667Gly)

Genes: TTN (titin; minus strand), TTN-AS1 (TTN antisense RNA 1; plus strand). Cytogenetic location: 2q31.2.
Variant type: single nucleotide variant.
Coding change: c.107000C>G on transcript NM_001267550.2 (MANE Select); coding-DNA position 107000, C replaced by G.
Protein change: p.Ala35667Gly; replaces alanine 35667 with glycine.
Molecular consequence: missense variant.
Genome position (GRCh38, 1-based): chr2:178,528,751, G>C on the plus strand (C>G on the coding strand, the complement: TTN is on the minus strand). VCF-style: chr2-178528751-G-C. GRCh37 (hg19) VCF-style: chr2-179393478-G-C.
Other names: c.102077C>G, p.Ala34026Gly (NM_001256850.1); c.79805C>G, p.Ala26602Gly (NM_003319.4); c.99296C>G, p.Ala33099Gly (NM_133378.4); c.80180C>G, p.Ala26727Gly (NM_133432.3); c.80381C>G, p.Ala26794Gly (NM_133437.4); short protein forms A26602G, A26727G, A26794G, A33099G, A34026G, A35667G.
Identifiers: ClinVar variation 3755761 (VCV003755761.2).
Genomic context (GRCh38, chr2:178,528,751, plus strand): 5'-TTGACGATTCCTTCCTTGGTTTTGCTTATGCAGGTGAGGATTCCTTCATCTCTGTGACTG[G>C]CTTGCTTGATGGTTAGGGTCTGATCGCTGCCTGAGACACCATATCGGTACTCCTCAGAGT-3'
Protein context (NP_001254479.2, residues 35657-35677): GSDQTLTIKQ[Ala35667Gly]SHRDEGILTC

ClinVar aggregate classification (germline): Uncertain significance (1 of 4 stars; one submission).

Conditions:
Dilated cardiomyopathy 1G (CMD1G). Identifiers: Orphanet 154, MedGen C1858763, MONDO:0011400, OMIM 604145.
Autosomal recessive limb-girdle muscular dystrophy type 2J (LGMDR10). Also called: Limb-girdle muscular dystrophy, type 2J; MUSCULAR DYSTROPHY, LIMB-GIRDLE, AUTOSOMAL RECESSIVE 10. Identifiers: Orphanet 140922, MedGen C1837342, MONDO:0012127, OMIM 608807.

Submission:

Labcorp Genetics (formerly Invitae), Labcorp
Classification: Uncertain significance for Dilated cardiomyopathy 1G; Autosomal recessive limb-girdle muscular dystrophy type 2J. Last evaluated: 2024-04-09. Review status: criteria provided, single submitter. Criteria: Invitae Variant Classification Sherloc (09022015). Collection method: clinical testing. Allele origin: germline.
Comment: This sequence change replaces alanine, which is neutral and non-polar, with glycine, which is neutral and non-polar, at codon 35667 of the TTN protein (p.Ala35667Gly). This variant is not present in population databases (gnomAD no frequency). This variant has not been reported in the literature in individuals affected with TTN-related conditions. Experimental studies and prediction algorithms are not available or were not evaluated, and the functional significance of this variant is currently unknown. This variant is located in the M band of TTN (PMID: 25589632). Non-truncating variants in this region may be relevant for neuromuscular disorders, but have not been definitively shown to cause cardiomyopathy (PMID: 23975875). In summary, the available evidence is currently insufficient to determine the role of this variant in disease. Therefore, it has been classified as a Variant of Uncertain Significance.

Literature cited by the submitters: PubMed 25589632; PubMed 23975875.